The following is an entry in ClinVar:

ClinVar aggregate classification (germline): Uncertain significance. Review status: criteria provided, multiple submitters, no conflicts (2 of 4 stars). 2 submissions from 2 submitters: Uncertain significance (2). Last evaluated 2023-04-14.

Conditions:
Hereditary cancer-predisposing syndrome. Also called: Hereditary neoplastic syndrome; Neoplastic Syndromes, Hereditary; Tumor predisposition; Hereditary Cancer Syndrome. Identifiers: Orphanet 140162, MedGen C0027672, MeSH D009386, MONDO:0015356.

Submissions (2):

Ambry Genetics
Classification: Uncertain significance for Hereditary cancer-predisposing syndrome. Last evaluated: 2023-04-14. Review status: criteria provided, single submitter. Criteria: Ambry Variant Classification Scheme 2023. Collection method: clinical testing. Allele origin: germline.
Comment: The p.P20R variant (also known as c.59C>G), located in coding exon 2 of the SDHC gene, results from a C to G substitution at nucleotide position 59. The proline at codon 20 is replaced by arginine, an amino acid with dissimilar properties. This amino acid position is conserved. In addition, this alteration is predicted to be deleterious by in silico analysis. Since supporting evidence is limited at this time, the clinical significance of this alteration remains unclear.

GeneDx
Classification: Uncertain significance. Last evaluated: 2020-10-28. Review status: criteria provided, single submitter. Criteria: GeneDx Variant Classification Process June 2021. Collection method: clinical testing. Allele origin: germline. Affected: yes.
Comment: Not observed in large population cohorts (Lek 2016); In silico analysis supports that this missense variant has a deleterious effect on protein structure/function; Has not been previously published as pathogenic or benign to our knowledge

NM_003001.5(SDHC):c.59C>G (p.Pro20Arg)

Gene: SDHC (succinate dehydrogenase complex subunit C; plus strand). Cytogenetic location: 1q23.3.
Variant type: single nucleotide variant.
Coding change: c.59C>G on transcript NM_003001.5 (MANE Select); coding-DNA position 59, C replaced by G.
Protein change: p.Pro20Arg; replaces proline 20 with arginine.
Molecular consequence: missense variant. On other transcripts: 5 prime UTR variant (2), non-coding transcript variant (1), intron variant (4).
Genome position (GRCh38, 1-based): chr1:161,323,652, C>G. VCF-style: chr1-161323652-C-G. GRCh37 (hg19) VCF-style: chr1-161293442-C-G.
Other names: c.59C>G, p.Pro20Arg (NM_001035511.3, NM_001035512.3, NM_001278172.3 and 2 more transcripts); c.-53C>G (NM_001407119.1); c.-171C>G (NM_001407120.1); c.21-4744C>G (NM_001407116.1, NM_001407121.1, NM_001407117.1); c.20+9227C>G (NM_001035513.3); short protein forms P20R.
Identifiers: ClinVar variation 1313634 (VCV001313634.5), dbSNP rs2102295625, ClinGen allele CA343359546.